The following is an entry in ClinVar:

NM_002474.3(MYH11):c.5400G>T (p.Lys1800Asn)

Genes: MYH11 (myosin heavy chain 11; minus strand), NDE1 (nudE neurodevelopment protein 1; plus strand). Cytogenetic location: 16p13.11.
Variant type: single nucleotide variant.
Coding change: c.5400G>T on transcript NM_002474.3 (MANE Select); coding-DNA position 5400, G replaced by T.
Protein change: p.Lys1800Asn; replaces lysine 1800 with asparagine.
Molecular consequence: missense variant. On other transcripts: intron variant (2).
Genome position (GRCh38, 1-based): chr16:15,717,244, C>A on the plus strand (G>T on the coding strand, the complement: MYH11 is on the minus strand). VCF-style: chr16-15717244-C-A. GRCh37 (hg19) VCF-style: chr16-15811101-C-A.
Other names: c.5421G>T, p.Lys1807Asn (NM_001040113.2, NM_001040114.2); c.5400G>T, p.Lys1800Asn (NM_022844.3); c.948-6947C>A (NM_001143979.2, NM_017668.3); short protein forms K1807N, K1800N.
Identifiers: ClinVar variation 2749270 (VCV002749270.3), dbSNP rs2506083541, ClinGen allele CA394848975.

ClinVar aggregate classification (germline): Uncertain significance (1 of 4 stars; one submission).

Conditions:
Aortic aneurysm, familial thoracic 4 (AAT4). Also called: AORTIC ANEURYSM/AORTIC DISSECTION AND PATENT DUCTUS ARTERIOSUS. Identifiers: MedGen C1851504, MONDO:0007568, OMIM 132900.

Submission:

Labcorp Genetics (formerly Invitae), Labcorp
Classification: Uncertain significance for Aortic aneurysm, familial thoracic 4. Last evaluated: 2023-08-02. Review status: criteria provided, single submitter. Criteria: Invitae Variant Classification Sherloc (09022015). Collection method: clinical testing. Allele origin: germline.
Comment: In summary, the available evidence is currently insufficient to determine the role of this variant in disease. Therefore, it has been classified as a Variant of Uncertain Significance. This sequence change replaces lysine, which is basic and polar, with asparagine, which is neutral and polar, at codon 1807 of the MYH11 protein (p.Lys1807Asn). Advanced modeling of protein sequence and biophysical properties (such as structural, functional, and spatial information, amino acid conservation, physicochemical variation, residue mobility, and thermodynamic stability) performed at Invitae indicates that this missense variant is not expected to disrupt MYH11 protein function. This variant is not present in population databases (gnomAD no frequency). This variant has not been reported in the literature in individuals affected with MYH11-related conditions.